The following is an entry in ClinVar:

ClinVar aggregate classification (germline): Uncertain significance. Review status: criteria provided, multiple submitters, no conflicts (2 of 4 stars). 3 submissions from 3 submitters: Uncertain significance (3). Last evaluated 2025-01-27.

Conditions:
Inborn genetic diseases. Identifiers: MedGen C0950123, MeSH D030342.

Allele frequency attached by ClinVar (database versions not stated): gnomAD 0.00001; ExAC 0.00002; gnomAD exomes 0.00002; TOPMed 0.00002.
gnomAD v4.1: 37 of 1,613,786 alleles (0.0023%); highest among the groups gnomAD compares: Middle Eastern, 0.033%; no homozygotes.

Submissions (3):

Ambry Genetics
Classification: Uncertain significance for Inborn genetic diseases. Last evaluated: 2025-01-27. Review status: criteria provided, single submitter. Criteria: Ambry Variant Classification Scheme 2023. Collection method: clinical testing. Allele origin: germline.

Blueprint Genetics
Classification: Uncertain significance. Last evaluated: 2024-10-01. Review status: criteria provided, single submitter. Criteria: ACMG Guidelines, 2015. Collection method: clinical testing. Allele origin: germline.

Labcorp Genetics (formerly Invitae), Labcorp
Classification: Uncertain significance. Last evaluated: 2021-04-13. Review status: criteria provided, single submitter. Criteria: Invitae Variant Classification Sherloc (09022015). Collection method: clinical testing. Allele origin: germline.
Comment: In summary, the available evidence is currently insufficient to determine the role of this variant in disease. Therefore, it has been classified as a Variant of Uncertain Significance. Algorithms developed to predict the effect of missense changes on protein structure and function (SIFT, PolyPhen-2, Align-GVGD) all suggest that this variant is likely to be disruptive, but these predictions have not been confirmed by published functional studies and their clinical significance is uncertain. This variant has not been reported in the literature in individuals with SH3PXD2B-related conditions. This variant is present in population databases (rs763810720, ExAC 0.003%). This sequence change replaces valine with isoleucine at codon 192 of the SH3PXD2B protein (p.Val192Ile). The valine residue is highly conserved and there is a small physicochemical difference between valine and isoleucine.

NM_001017995.3(SH3PXD2B):c.574G>A (p.Val192Ile)

Gene: SH3PXD2B (SH3 and PX domains 2B; minus strand). Cytogenetic location: 5q35.1.
Variant type: single nucleotide variant.
Coding change: c.574G>A on transcript NM_001017995.3 (MANE Select); coding-DNA position 574, G replaced by A.
Protein change: p.Val192Ile; replaces valine 192 with isoleucine.
Molecular consequence: missense variant.
Genome position (GRCh38, 1-based): chr5:172,358,866, C>T on the plus strand (G>A on the coding strand, the complement: SH3PXD2B is on the minus strand). VCF-style: chr5-172358866-C-T. GRCh37 (hg19) VCF-style: chr5-171785870-C-T.
Other names: c.574G>A, p.Val192Ile (NM_001308175.2); c.574G>A (NM_001017995.2); short protein forms V192I.
Identifiers: ClinVar variation 1400049 (VCV001400049.8), dbSNP rs763810720, ClinGen allele CA3561485.